The following is an entry in ClinVar:

NM_000632.4(ITGAM):c.139G>A (p.Val47Met)

Genes: ITGAM (integrin subunit alpha M; plus strand), LOC126862331 (P300/CBP strongly-dependent group 1 enhancer GRCh37_chr16:31276375-31277574; plus strand). Cytogenetic location: 16p11.2.
Variant type: single nucleotide variant.
Coding change: c.139G>A on transcript NM_000632.4 (MANE Select); coding-DNA position 139, G replaced by A.
Protein change: p.Val47Met; replaces valine 47 with methionine.
Molecular consequence: missense variant.
Genome position (GRCh38, 1-based): chr16:31,265,399, G>A. VCF-style: chr16-31265399-G-A. GRCh37 (hg19) VCF-style: chr16-31276720-G-A.
Other names: c.139G>A, p.Val47Met (NM_001145808.2); short protein forms V47M.
Identifiers: ClinVar variation 3716666 (VCV003716666.2).

ClinVar aggregate classification (germline): Uncertain significance (1 of 4 stars; one submission).

gnomAD v4.1: 6 of 1,593,908 alleles (0.00038%); highest among the groups gnomAD compares: Middle Eastern, 0.017%; no homozygotes.

Submission:

Labcorp Genetics (formerly Invitae), Labcorp
Classification: Uncertain significance. Last evaluated: 2024-07-03. Review status: criteria provided, single submitter. Criteria: Invitae Variant Classification Sherloc (09022015). Collection method: clinical testing. Allele origin: germline.
Comment: This sequence change replaces valine, which is neutral and non-polar, with methionine, which is neutral and non-polar, at codon 47 of the ITGAM protein (p.Val47Met). This variant is not present in population databases (gnomAD no frequency). This variant has not been reported in the literature in individuals affected with ITGAM-related conditions. Algorithms developed to predict the effect of missense changes on protein structure and function output the following: SIFT: "Not Available"; PolyPhen-2: "Probably Damaging"; Align-GVGD: "Not Available". The methionine amino acid residue is found in multiple mammalian species, which suggests that this missense change does not adversely affect protein function. In summary, the available evidence is currently insufficient to determine the role of this variant in disease. Therefore, it has been classified as a Variant of Uncertain Significance.